The following is an entry in ClinVar:

NM_018063.5(HELLS):c.775A>G (p.Ile259Val)

Gene: HELLS (helicase, lymphoid specific; plus strand). Cytogenetic location: 10q23.33.
Variant type: single nucleotide variant.
Coding change: c.775A>G on transcript NM_018063.5 (MANE Select); coding-DNA position 775, A replaced by G.
Protein change: p.Ile259Val; replaces isoleucine 259 with valine.
Molecular consequence: missense variant. On other transcripts: 5 prime UTR variant (2).
Genome position (GRCh38, 1-based): chr10:94,574,623, A>G. VCF-style: chr10-94574623-A-G. GRCh37 (hg19) VCF-style: chr10-96334380-A-G.
Other names: c.775A>G, p.Ile259Val (NM_001289067.2, NM_001289069.2, NM_001289070.2 and 1 more transcripts); c.727A>G, p.Ile243Val (NM_001289068.2); c.403A>G, p.Ile135Val (NM_001289071.2); c.361A>G, p.Ile121Val (NM_001289073.2); c.-228A>G (NM_001289074.2); c.-247A>G (NM_001289075.2); c.775A>G (NM_018063.3); short protein forms I243V, I135V, I259V, I121V.
Identifiers: ClinVar variation 1039856 (VCV001039856.8), dbSNP rs760563346, ClinGen allele CA5615355.

ClinVar aggregate classification (germline): Uncertain significance. Review status: criteria provided, multiple submitters, no conflicts (2 of 4 stars). 3 submissions from 3 submitters: Uncertain significance (3). Last evaluated 2025-05-16.

Conditions:
Inborn genetic diseases. Identifiers: MedGen C0950123, MeSH D030342.

Allele frequency attached by ClinVar (database versions not stated): gnomAD 0.00001 and 0.00002; gnomAD exomes 0.00001 and 0.00002; ExAC 0.00002; TOPMed 0.00004.
gnomAD v4.1: 21 of 1,613,452 alleles (0.0013%); highest among the groups gnomAD compares: Admixed American, 0.01%; no homozygotes.

Submissions (3):

Ambry Genetics
Classification: Uncertain significance for Inborn genetic diseases. Last evaluated: 2025-05-16. Review status: criteria provided, single submitter. Criteria: Ambry Variant Classification Scheme 2023. Collection method: clinical testing. Allele origin: germline.

Labcorp Genetics (formerly Invitae), Labcorp
Classification: Uncertain significance. Last evaluated: 2022-05-25. Review status: criteria provided, single submitter. Criteria: Invitae Variant Classification Sherloc (09022015). Collection method: clinical testing. Allele origin: germline.
Comment: This sequence change replaces isoleucine, which is neutral and non-polar, with valine, which is neutral and non-polar, at codon 259 of the HELLS protein (p.Ile259Val). This variant is present in population databases (rs760563346, gnomAD 0.006%). This variant has not been reported in the literature in individuals affected with HELLS-related conditions. ClinVar contains an entry for this variant (Variation ID: 1039856). Algorithms developed to predict the effect of missense changes on protein structure and function are either unavailable or do not agree on the potential impact of this missense change (SIFT: "Deleterious"; PolyPhen-2: "Possibly Damaging"; Align-GVGD: "Class C0"). In summary, the available evidence is currently insufficient to determine the role of this variant in disease. Therefore, it has been classified as a Variant of Uncertain Significance.

Blueprint Genetics
Classification: Uncertain significance. Last evaluated: 2021-07-19. Review status: criteria provided, single submitter. Criteria: ACMG Guidelines, 2015. Collection method: clinical testing. Allele origin: germline.